The following is an entry in ClinVar:

NM_001122659.3(EDNRB):c.777C>T (p.Pro259=)

Genes: EDNRB-AS1 (EDNRB antisense RNA 1; plus strand), EDNRB (endothelin receptor type B; minus strand). Cytogenetic location: 13q22.3.
Variant type: single nucleotide variant.
Coding change: c.777C>T on transcript NM_001122659.3 (MANE Select); coding-DNA position 777, C replaced by T.
Protein change: p.Pro259=; no amino-acid change (proline 259 retained).
Molecular consequence: synonymous variant.
Genome position (GRCh38, 1-based): chr13:77,903,180, G>A on the plus strand (C>T on the coding strand, the complement: EDNRB is on the minus strand). VCF-style: chr13-77903180-G-A. GRCh37 (hg19) VCF-style: chr13-78477315-G-A.
Other names: c.777C>T, p.Pro259= (NM_000115.5, NM_003991.4); c.1047C>T, p.Pro349= (NM_001201397.2); c.777C>T (NM_000115.4).
Identifiers: ClinVar variation 312471 (VCV000312471.13), dbSNP rs375637651, ClinGen allele CA7012262.

ClinVar aggregate classification (germline): Conflicting classifications of pathogenicity. Review status: criteria provided, conflicting classifications (1 of 4 stars). 3 submissions from 3 submitters: Uncertain significance (1); Likely benign (2). Last evaluated 2026-03-26.

Conditions:
EDNRB-related disorder. Also called: EDNRB-related disorders; EDNRB-related condition.
Hirschsprung disease, susceptibility to, 2. Identifiers: Orphanet 388, MedGen C1838564, MONDO:0010833, OMIM 600155.

Allele frequency attached by ClinVar (database versions not stated): TOPMed 0.00002; gnomAD 0.00003; ExAC 0.00004; gnomAD exomes 0.00004 and 0.00005; ESP Exome Variant Server 0.00008; 1000 Genomes Project 0.00040; 1000 Genomes Project 30x 0.00047.
gnomAD v4.1: 75 of 1,612,656 alleles (0.0047%); highest among the groups gnomAD compares: Admixed American, 0.01%; no homozygotes.

Submissions (3):

PreventionGenetics, part of Exact Sciences
Classification: Likely benign for EDNRB-related condition. Last evaluated: 2026-03-26. Review status: criteria provided, single submitter. Criteria: ACMG Guidelines, 2015. Collection method: clinical testing. Allele origin: germline.
Comment: This variant is classified as likely benign based on ACMG/AMP sequence variant interpretation guidelines (Richards et al. 2015 PMID: 25741868, with internal and published modifications).

Labcorp Genetics (formerly Invitae), Labcorp
Classification: Likely benign. Last evaluated: 2025-11-18. Review status: criteria provided, single submitter. Criteria: Invitae Variant Classification Sherloc (09022015). Collection method: clinical testing. Allele origin: germline.

Illumina Laboratory Services, Illumina
Classification: Uncertain significance for Hirschsprung disease, susceptibility to, 2. Last evaluated: 2018-01-13. Review status: criteria provided, single submitter. Criteria: ICSL Variant Classification Criteria 13 December 2019. Collection method: clinical testing. Allele origin: germline.